The following is an entry in ClinVar:

ClinVar aggregate classification (germline): Uncertain significance (1 of 4 stars; one submission).

Submission:

Labcorp Genetics (formerly Invitae), Labcorp
Classification: Uncertain significance. Last evaluated: 2019-09-16. Review status: criteria provided, single submitter. Criteria: Invitae Variant Classification Sherloc (09022015). Collection method: clinical testing. Allele origin: germline.
Comment: This variant is not present in population databases (ExAC no frequency). This sequence change creates a premature translational stop signal (p.Ser235*) in the CDCA7 gene. It is expected to result in an absent or disrupted protein product. This variant has not been reported in the literature in individuals with CDCA7-related conditions. The current clinical and genetic evidence is not sufficient to establish whether loss-of-function variants in CDCA7 cause disease. In summary, the available evidence is currently insufficient to determine the role of this variant in disease. Therefore, it has been classified as a Variant of Uncertain Significance.

NM_031942.5(CDCA7):c.704C>G (p.Ser235Ter)

Gene: CDCA7 (cell division cycle associated 7; plus strand). Cytogenetic location: 2q31.1.
Variant type: single nucleotide variant.
Coding change: c.704C>G on transcript NM_031942.5 (MANE Select); coding-DNA position 704, C replaced by G.
Protein change: p.Ser235Ter; replaces serine 235 with a stop codon.
Molecular consequence: nonsense.
Genome position (GRCh38, 1-based): chr2:173,364,799, C>G. VCF-style: chr2-173364799-C-G. GRCh37 (hg19) VCF-style: chr2-174229527-C-G.
Other names: c.467C>G, p.Ser156Ter (NM_145810.3); short protein forms S156*, S235*.
Identifiers: ClinVar variation 964463 (VCV000964463.7), dbSNP rs1686687425, ClinGen allele CA349328160.
Genomic context (GRCh38, chr2:173,364,799, plus strand): 5'-GTACTACTTCTCTTTATTATGGAATAAATGGATTCCCTTATACGTGCTTTGTTTAGCAAT[C>G]AAGGAGACCGCGAAGGCGTACATTCCCGGGTGTTGCTTCCAGGAGAAACCCTGAACGGAG-3'